The following is an entry in ClinVar:

NM_001127898.4(CLCN5):c.1249C>T (p.Arg417Ter)

Gene: CLCN5 (Cl-/H+ antiporter 5; plus strand). Cytogenetic location: Xp11.23.
Variant type: single nucleotide variant.
Coding change: c.1249C>T on transcript NM_001127898.4 (MANE Select); coding-DNA position 1249, C replaced by T.
Protein change: p.Arg417Ter; replaces arginine 417 with a stop codon.
Molecular consequence: nonsense.
Genome position (GRCh38, 1-based): chrX:50,086,562, C>T. VCF-style: chrX-50086562-C-T. GRCh37 (hg19) VCF-style: chrX-49851219-C-T.
Other names: c.1039C>T, p.Arg347Ter (NM_000084.5); c.1249C>T, p.Arg417Ter (NM_001127899.4); c.1099C>T, p.Arg367Ter (NM_001282163.2); c.1249C>T (NM_001127898.3); short protein forms R347*, R417*, R367*.
Identifiers: ClinVar variation 207996 (VCV000207996.20), dbSNP rs797044810, ClinGen allele CA347316.

ClinVar aggregate classification (germline): Pathogenic. Review status: criteria provided, multiple submitters, no conflicts (2 of 4 stars). 8 submissions from 8 submitters: Pathogenic (7). 1 of the submissions does not count toward it. Last evaluated 2025-10-26.

Conditions:
Dent disease type 1 (DENT1). Also called: NEPHROLITHIASIS 2; NEPHROLITHIASIS, HYPERCALCIURIC, X-LINKED. Identifiers: Orphanet 1652, Orphanet 93622, MedGen C1848336, MONDO:0010225, OMIM 300009.
X-linked recessive nephrolithiasis with renal failure (XRN). Also called: NEPHROLITHIASIS 1; NEPHROLITHIASIS, X-LINKED RECESSIVE, TYPE 1; UROLITHIASIS, X-LINKED RECESSIVE, TYPE 1. Identifiers: Orphanet 1652, Orphanet 93622, MedGen C0403720, MONDO:0010687, OMIM 310468.
Hypophosphatemic rickets, X-linked recessive (XLHRR). Identifiers: Orphanet 1652, Orphanet 93622, MedGen C1845168, MONDO:0010358, OMIM 300554.
Proteinuria, low molecular weight, with hypercalciuria and nephrocalcinosis. Identifiers: Orphanet 1652, Orphanet 93622, MedGen C1839874, MONDO:0010644, OMIM 308990.

Allele frequency attached by ClinVar (database versions not stated): gnomAD exomes below 0.00001.
gnomAD v4.1: 1 of 1,210,908 alleles (0.000083%); highest among the groups gnomAD compares: Non-Finnish European, 0.00011%; no homozygotes.

Submissions (9):

3billion
Classification: Pathogenic for Dent disease type 1. Last evaluated: 2025-10-26. Review status: criteria provided, single submitter. Criteria: ACMG Guidelines, 2015. Collection method: clinical testing. Allele origin: germline. Affected: yes.
Comment: The variant is observed at an extremely low frequency in the gnomAD v4.1.0 dataset (total allele frequency: <0.001%). Predicted Consequence/Location: Stop-gained (nonsense): predicted to result in a loss or disruption of normal protein function through nonsense-mediated decay (NMD) or protein truncation. Multiple pathogenic variants are reported downstream of the variant. The variant has been reported at least twice as pathogenic with clinical assertions and evidence for the classification (ClinVar ID: VCV000207996 /PMID: 9328929 /3billion dataset). Therefore, this variant is classified as Pathogenic according to the recommendation of ACMG/AMP guideline.

Dasa
Classification: Pathogenic. Last evaluated: 2025-04-03. Review status: criteria provided, single submitter. Criteria: DASA Assertion Criteria. Collection method: clinical testing. Allele origin: germline.
Comment: NM_001127898.4(CLCN5):c.1249C>T (p.Arg417*) introduces a premature termination codon predicted to result in loss of normal protein function. Loss-of-function is an established mechanism of disease for this gene. This variant has been recurrently observed in individuals with related phenotype (PMID: 36726441; PMID: 15814539; PMID: 31672324; PMID: 31674016). The variant is present at low frequency in population datasets. Based on the available data, this variant is classified as pathogenic.

Victorian Clinical Genetics Services, Murdoch Childrens Research Institute
Classification: Pathogenic for Dent disease type 1. Last evaluated: 2024-11-21. Review status: criteria provided, single submitter. Criteria: ACMG Guidelines, 2015. Collection method: clinical testing. Allele origin: germline. Affected: yes.
Comment: This variant is classified as Pathogenic. Evidence in support of pathogenic classification: Variant is predicted to cause nonsense-mediated decay (NMD) and loss of protein (premature termination codon is located at least 54 nucleotides upstream of the final exon-exon junction); Variant is present in gnomAD <0.001 for a dominant condition (v4: 1 heterozygote, 0 homozygotes); This variant has strong previous evidence of pathogenicity in unrelated individuals. This variant has been classified as pathogenic by diagnostic laboratories in ClinVar, and has been reported in the literature in individuals with Dent disease (PMID: 24081861); Comparable variants have very strong previous evidence for pathogenicity. Other variants predicted to cause NMD have been reported as pathogenic (ClinVar; Decipher). Additional information: This variant is hemizygous; This gene is associated with X-linked recessive disease. Dent disease 1 (MIM#300009) is now the generally accepted name for a group of hereditary tubular disorders including X-linked recessive nephrolithiasis type I (MIM#310468), hypophosphataemic rickets (MIM#300554), and low molecular weight proteinuria with hypercalciuric nephrocalcinosis (MIM#308990) (PMID: 12637640). Dent disease 1 (MIM#300009) mainly affects males; however, females with heterozygous variants may show a milder phenotype (PMID: 28580211); Loss of function is a known mechanism of disease in this gene and is associated with Dent disease 1 (MIM#300009); Variants in this gene are known to have variable expressivity. The phenotype can be variable within and between families (PMID: 28580211).

Fulgent Genetics
Classification: Pathogenic for Dent disease type 1; Hypophosphatemic rickets, X-linked recessive; Proteinuria, low molecular weight, with hypercalciuria and nephrocalcinosis; X-linked recessive nephrolithiasis with renal failure. Last evaluated: 2024-06-11. Review status: criteria provided, single submitter. Criteria: ACMG Guidelines, 2015. Collection method: clinical testing. Allele origin: germline.

GeneDx
Classification: Pathogenic. Last evaluated: 2024-06-11. Review status: criteria provided, single submitter. Criteria: GeneDx Variant Classification Process June 2021. Collection method: clinical testing. Allele origin: germline. Affected: yes.
Comment: Nonsense variant predicted to result in protein truncation or nonsense mediated decay in a gene for which loss of function is a known mechanism of disease; Not observed at significant frequency in large population cohorts (gnomAD); This variant is associated with the following publications: (PMID: 24081861, 25907713, 31674016, 25525159, 32683654, 35738466, 36726441, 37248651, 37284679, 9328929, 15814539)

Labcorp Genetics (formerly Invitae), Labcorp
Classification: Pathogenic. Last evaluated: 2023-06-15. Review status: criteria provided, single submitter. Criteria: Invitae Variant Classification Sherloc (09022015). Collection method: clinical testing. Allele origin: germline.
Comment: For these reasons, this variant has been classified as Pathogenic. ClinVar contains an entry for this variant (Variation ID: 207996). This premature translational stop signal has been observed in individual(s) with Dent disease (PMID: 31672324, 31674016). This variant is not present in population databases (gnomAD no frequency). This sequence change creates a premature translational stop signal (p.Arg347*) in the CLCN5 gene. It is expected to result in an absent or disrupted protein product. Loss-of-function variants in CLCN5 are known to be pathogenic (PMID: 22876375, 25907713).

Laboratory of Cyto-molecular Genetics, Department of Anatomy, All India Institute of Medical Sciences (AIIMS), New Delhi
Classification: Pathogenic for Dent disease type 1. Last evaluated: 2022-03-07. Review status: criteria provided, single submitter. Criteria: ACMG Guidelines, 2015. Collection method: clinical testing. Allele origin: germline. Affected: yes. Observed: 2 variant alleles.
Comment: p.(Arg417*), nonsense variant

Dr. Peter K. Rogan Lab, Western University
No classification provided (evidence only). Condition: Thyroid cancer, nonmedullary, 1. Review status: no classification provided. Collection method: in vitro. Allele origin: not applicable. Functional consequence: retained intron. Not counted in ClinVar's aggregate classification.

GeneReviews
No classification provided. Condition: Dent disease type 1. Review status: no classification provided. Collection method: literature only. Allele origin: germline. Affected: yes. Not counted in ClinVar's aggregate classification.

Literature cited by the submitters: PubMed 9328929 (cited by 3billion and GeneReviews); PubMed 36726441 (cited by Dasa); PubMed 15814539 (cited by Dasa); PubMed 31672324 (cited by Dasa and Labcorp Genetics (formerly Invitae), Labcorp); PubMed 31674016 (cited by Dasa and Labcorp Genetics (formerly Invitae), Labcorp); PubMed 24081861 (cited by Victorian Clinical Genetics Services, Murdoch Childrens Research Institute and GeneReviews); PubMed 28580211 (cited by Victorian Clinical Genetics Services, Murdoch Childrens Research Institute); PubMed 12637640 (cited by Victorian Clinical Genetics Services, Murdoch Childrens Research Institute); PubMed 22876375 (cited by Labcorp Genetics (formerly Invitae), Labcorp); PubMed 25907713 (cited by Labcorp Genetics (formerly Invitae), Labcorp); PubMed 35738466 (cited by Laboratory of Cyto-molecular Genetics, Department of Anatomy, All India Institute of Medical Sciences (AIIMS), New Delhi); PubMed 15086899 (cited by GeneReviews); PubMed 15895257 (cited by GeneReviews); PubMed 16822791 (cited by GeneReviews); PubMed 19546591 (cited by GeneReviews); NCBI Bookshelf NBK99494 (cited by GeneReviews).